The following is an entry in ClinVar:

NM_000628.5(IL10RB):c.*135G>A

Genes: IL10RB (interleukin 10 receptor subunit beta; plus strand), IFNAR2-IL10RB (IFNAR2-IL10RB readthrough; plus strand). Cytogenetic location: 21q22.11.
Variant type: single nucleotide variant.
Coding change: c.*135G>A on transcript NM_000628.5 (MANE Select); 135 bases downstream of the stop codon, G replaced by A.
Molecular consequence: 3 prime UTR variant.
Genome position (GRCh38, 1-based): chr21:33,296,492, G>A. VCF-style: chr21-33296492-G-A. GRCh37 (hg19) VCF-style: chr21-34668797-G-A.
Identifiers: ClinVar variation 339699 (VCV000339699.6), dbSNP rs8178561, ClinGen allele CA10006322.

ClinVar aggregate classification (germline): Benign. Review status: criteria provided, multiple submitters, no conflicts (2 of 4 stars). 2 submissions from 2 submitters: Benign (2). Last evaluated 2018-01-13.

Conditions:
Inflammatory bowel disease 25. Also called: Inflammatory bowel disease 25, early onset, autosomal recessive. Identifiers: Orphanet 238569, MedGen C2675508, MONDO:0012941, OMIM 612567.

Allele frequency attached by ClinVar (database versions not stated): gnomAD exomes 0.04830 and 0.05303; ExAC 0.05690; 1000 Genomes Project 0.05970; 1000 Genomes Project 30x 0.06277; gnomAD 0.07928 and 0.08321; TOPMed 0.08156.
gnomAD v4.1: 49,469 of 850,424 alleles (5.8%); highest among the groups gnomAD compares: African/African-American, 14%; 1,893 homozygotes.

Submissions (2):

Illumina Laboratory Services, Illumina
Classification: Benign for Inflammatory bowel disease 25. Last evaluated: 2018-01-13. Review status: criteria provided, single submitter. Criteria: ICSL Variant Classification Criteria 13 December 2019. Collection method: clinical testing. Allele origin: germline.
Comment: This variant was observed in the ICSL laboratory as part of a predisposition screen in an ostensibly healthy population. It had not been previously curated by ICSL or reported in the Human Gene Mutation Database (HGMD: prior to June 1st, 2018), and was therefore a candidate for classification through an automated scoring system. Utilizing variant allele frequency, disease prevalence and penetrance estimates, and inheritance mode, an automated score was calculated to assess if this variant is too frequent to cause the disease. Based on the score and internal cut-off values, a variant classified as benign is not then subjected to further curation. The score for this variant resulted in a classification of benign for this disease.

Breakthrough Genomics
Classification: Benign. Review status: criteria provided, single submitter. Criteria: ACMG Guidelines, 2015. Collection method: not provided. Allele origin: germline. Inheritance: Autosomal recessive inheritance. Affected: yes.